The following is an entry in ClinVar:

ClinVar aggregate classification (germline): Pathogenic. Review status: criteria provided, multiple submitters, no conflicts (2 of 4 stars). 6 submissions from 6 submitters: Pathogenic (5). 1 of the submissions does not count toward it. Last evaluated 2025-03-25.

Conditions:
NF1-related disorder. Also called: NF1-related condition. Identifiers: MedGen CN379171.
Neurofibromatosis, type 1 (NF1). Also called: Neurofibromatosis, type I; Peripheral type neurofibromatosis; VON RECKLINGHAUSEN DISEASE; NEUROFIBROMATOSIS, TYPE I, SOMATIC. Identifiers: Orphanet 636, MedGen C0027831, MONDO:0018975, OMIM 162200. Disease mechanism: loss of function.

Submissions (6):

GeneDx
Classification: Pathogenic. Last evaluated: 2025-03-25. Review status: criteria provided, single submitter. Criteria: GeneDx Variant Classification Process June 2021. Collection method: clinical testing. Allele origin: germline. Affected: yes.
Comment: Nonsense variant predicted to result in protein truncation or nonsense mediated decay in a gene for which loss of function is a known mechanism of disease; Not observed at significant frequency in large population cohorts (gnomAD); This variant is associated with the following publications: (PMID: 25525159, 9148030, 31776437, 36273432, 31766501, 10980545)

Labcorp Genetics (formerly Invitae), Labcorp
Classification: Pathogenic for Neurofibromatosis, type 1. Last evaluated: 2023-04-22. Review status: criteria provided, single submitter. Criteria: Invitae Variant Classification Sherloc (09022015). Collection method: clinical testing. Allele origin: germline.
Comment: This sequence change creates a premature translational stop signal (p.Trp1810*) in the NF1 gene. It is expected to result in an absent or disrupted protein product. Loss-of-function variants in NF1 are known to be pathogenic (PMID: 10712197, 23913538). This variant is not present in population databases (gnomAD no frequency). This premature translational stop signal has been observed in individual(s) with neurofibromatosis type I (PMID: 10980545, 23913538). ClinVar contains an entry for this variant (Variation ID: 431656). For these reasons, this variant has been classified as Pathogenic.

Genome-Nilou Lab
Classification: Pathogenic for Neurofibromatosis, type 1. Last evaluated: 2022-03-15. Review status: criteria provided, single submitter. Criteria: ACMG Guidelines, 2015. Collection method: clinical testing. Allele origin: germline. Affected: no.

Blueprint Genetics
Classification: Pathogenic for NF1-related disorders. Last evaluated: 2021-08-16. Review status: criteria provided, single submitter. Criteria: ACMG Guidelines, 2015. Collection method: clinical testing. Allele origin: germline. Affected: yes. Observed: 1 variant allele.

Center for Human Genetics, Inc
Classification: Pathogenic for Neurofibromatosis, type 1. Last evaluated: 2016-11-01. Review status: criteria provided, single submitter. Criteria: ACMG Guidelines, 2015. Collection method: clinical testing. Allele origin: germline. Affected: yes.

Medical Genetics, University of Parma
Classification: Pathogenic for Neurofibromatosis type 1. Last evaluated: 2017-02-02. Review status: no assertion criteria provided. Collection method: clinical testing. Allele origin: germline. Affected: yes. Not counted in ClinVar's aggregate classification.

Literature cited by the submitters: PubMed 10712197 (cited by Labcorp Genetics (formerly Invitae), Labcorp); PubMed 23913538 (cited by Labcorp Genetics (formerly Invitae), Labcorp); PubMed 10980545 (cited by Labcorp Genetics (formerly Invitae), Labcorp).

NM_001042492.3(NF1):c.5492G>A (p.Trp1831Ter)

Gene: NF1 (neurofibromin 1; plus strand). Cytogenetic location: 17q11.2.
Variant type: single nucleotide variant.
Coding change: c.5492G>A on transcript NM_001042492.3 (MANE Select); coding-DNA position 5492, G replaced by A.
Protein change: p.Trp1831Ter; replaces tryptophan 1831 with a stop codon.
Molecular consequence: nonsense.
Genome position (GRCh38, 1-based): chr17:31,327,722, G>A. VCF-style: chr17-31327722-G-A. GRCh37 (hg19) VCF-style: chr17-29654740-G-A.
Other names: c.5429G>A, p.Trp1810Ter (NM_000267.4); short protein forms W1810*, W1831*.
Identifiers: ClinVar variation 431656 (VCV000431656.10), dbSNP rs1135402872, ClinGen allele CA399009572.